The following is an entry in ClinVar:

ClinVar aggregate classification (germline): Pathogenic/Likely pathogenic. Review status: criteria provided, multiple submitters, no conflicts (2 of 4 stars). 4 submissions from 4 submitters: Pathogenic (1); Likely pathogenic (3). Last evaluated 2026-03-20.

Conditions:
Autosomal dominant Alport syndrome (ATS3A). Also called: ALPORT SYNDROME 3A, AUTOSOMAL DOMINANT; Alport syndrome dominant type; Renal failure and sensorineural hearing loss. Identifiers: Orphanet 63, Orphanet 88918, MedGen C5882663, MONDO:0007086, OMIM 104200.
Hematuria, benign familial, 2 (BFH2). Identifiers: MedGen C5830421, MONDO:0958186, OMIM 620320.
Alport syndrome 3b, autosomal recessive. Identifiers: MedGen C5882699, MONDO:0957811, OMIM 620536.
Inborn genetic diseases. Identifiers: MedGen C0950123, MeSH D030342.
Kidney disorder. Also called: renal disorder; renal disease; Kidney disease; Kidney Diseases; Nephropathy. Identifiers: MedGen C0022658, MONDO:0005240, HP:0000112.

Submissions (4):

Centre de Génétique Humaine, Institut de Pathologie Et de Génétique
Classification: Pathogenic for Autosomal dominant Alport syndrome. Last evaluated: 2026-03-20. Review status: criteria provided, single submitter. Criteria: ACMG Guidelines, 2015. Collection method: clinical testing. Allele origin: germline. Inheritance: Autosomal dominant inheritance. Affected: yes. Observed: 1 variant allele, 1 heterozygote. Segregation with disease not observed.
Comment: Variant located in the canonical donor splice site of intron 32 (PVS1). This variant is rare: absent in gnomAD v4.1.0 database (PM2).

Fulgent Genetics
Classification: Likely pathogenic for Autosomal dominant Alport syndrome; Hematuria, benign familial, 2; Alport syndrome 3b, autosomal recessive. Last evaluated: 2024-03-06. Review status: criteria provided, single submitter. Criteria: ACMG Guidelines, 2015. Collection method: clinical testing. Allele origin: germline.

Ambry Genetics
Classification: Likely pathogenic for Inborn genetic diseases. Last evaluated: 2023-08-18. Review status: criteria provided, single submitter. Criteria: Ambry Variant Classification Scheme 2023. Collection method: clinical testing. Allele origin: germline.
Comment: The c.2656+1G>T intronic variant results from a G to T substitution one nucleotide after coding exon 32 of the COL4A3 gene. Alterations that disrupt the canonical splice site are expected to result in aberrant splicing. The resulting transcript is predicted to be in-frame and is not expected to trigger nonsense-mediated mRNAdecay; however, direct evidence is unavailable. The exact functional effect of the altered amino acid sequence is unknown; however, the impacted region is critical for protein function (Ambry internal data). This variant was not reported in population-based cohorts in the Genome Aggregation Database (gnomAD). This nucleotide position is highly conserved in available vertebrate species. In silico splice site analysis predicts that this alteration will weaken the native splice donor site. Based on the available evidence, this alteration is classified as likely pathogenic.

Genome Diagnostics Laboratory, The Hospital for Sick Children
Classification: Likely pathogenic for Kidney disorder. Last evaluated: 2022-03-21. Review status: criteria provided, single submitter. Criteria: ACMG Guidelines, 2015. Collection method: clinical testing. Allele origin: germline.

NM_000091.5(COL4A3):c.2656+1G>T

Genes: COL4A3 (collagen type IV alpha 3 chain; plus strand), MFF-DT (MFF divergent transcript; minus strand). Cytogenetic location: 2q36.3.
Variant type: single nucleotide variant.
Coding change: c.2656+1G>T on transcript NM_000091.5 (MANE Select); the canonical splice donor site of the intron after coding-DNA position 2656, G replaced by T.
Molecular consequence: splice donor variant.
Genome position (GRCh38, 1-based): chr2:227,282,533, G>T. VCF-style: chr2-227282533-G-T. GRCh37 (hg19) VCF-style: chr2-228147249-G-T.
Identifiers: ClinVar variation 1712416 (VCV001712416.6), dbSNP rs2469770966, ClinGen allele CA350850917.
Genomic context (GRCh38, chr2:227,282,533, plus strand): 5'-AAATGGGACCACTGGGTCAAAGAGGATATCCAGGAAATCCGGGAATTTTAGGGCCACCAG[G>T]TATCCTTTTGTGTGTTTCTATTTTTCTTCTTATTTCTTCTTCTTCTTAAGGTGGCTCTGT-3'